The following is an entry in ClinVar:

NM_001144967.3(NEDD4L):c.121A>G (p.Ser41Gly)

Gene: NEDD4L (NEDD4 like E3 ubiquitin protein ligase; plus strand). Cytogenetic location: 18q21.31.
Variant type: single nucleotide variant.
Coding change: c.121A>G on transcript NM_001144967.3 (MANE Select); coding-DNA position 121, A replaced by G.
Protein change: p.Ser41Gly; replaces serine 41 with glycine.
Molecular consequence: missense variant. On other transcripts: 5 prime UTR variant (3).
Genome position (GRCh38, 1-based): chr18:58,165,860, A>G. VCF-style: chr18-58165860-A-G. GRCh37 (hg19) VCF-style: chr18-55833092-A-G.
Other names: c.-243A>G (NM_001144964.1, NM_001144965.2); c.97A>G, p.Ser33Gly (NM_001144968.2, NM_001144969.2); c.-321A>G (NM_001144971.2); c.121A>G, p.Ser41Gly (NM_001243960.2, NM_015277.6); short protein forms S33G, S41G.
Identifiers: ClinVar variation 1045195 (VCV001045195.8), dbSNP rs2036786192, ClinGen allele CA402715354.

ClinVar aggregate classification (germline): Uncertain significance (1 of 4 stars; one submission).

Allele frequency attached by ClinVar (database versions not stated): TOPMed below 0.00001.

Submission:

Labcorp Genetics (formerly Invitae), Labcorp
Classification: Uncertain significance. Last evaluated: 2022-06-15. Review status: criteria provided, single submitter. Criteria: Invitae Variant Classification Sherloc (09022015). Collection method: clinical testing. Allele origin: germline.
Comment: In summary, the available evidence is currently insufficient to determine the role of this variant in disease. Therefore, it has been classified as a Variant of Uncertain Significance. Algorithms developed to predict the effect of missense changes on protein structure and function are either unavailable or do not agree on the potential impact of this missense change (SIFT: "Tolerated"; PolyPhen-2: "Possibly Damaging"; Align-GVGD: "Class C0"). ClinVar contains an entry for this variant (Variation ID: 1045195). This variant has not been reported in the literature in individuals affected with NEDD4L-related conditions. This variant is not present in population databases (gnomAD no frequency). This sequence change replaces serine, which is neutral and polar, with glycine, which is neutral and non-polar, at codon 41 of the NEDD4L protein (p.Ser41Gly).